The following is an entry in ClinVar:

NM_001308093.3(GATA4):c.1149+177C>T

Gene: GATA4 (GATA binding protein 4). Cytogenetic location: 8p23.1.
Variant type: single nucleotide variant.
Coding change: c.1149+177C>T on transcript NM_001308093.3 (MANE Select); 177 bases into the intron after coding-DNA position 1149, C replaced by T.
Molecular consequence: intron variant.
Genome position (GRCh38, 1-based): chr8:11,757,260, C>T. VCF-style: chr8-11757260-C-T. GRCh37 (hg19) VCF-style: chr8-11614769-C-T.
Other names: c.528+177C>T (NM_001308094.2, NM_001374273.1); c.1146+177C>T (NM_002052.5); c.402+177C>T (NM_001374274.1).
Identifiers: ClinVar variation 433023 (VCV000433023.10), dbSNP rs12156163, ClinGen allele CA12829820.

ClinVar aggregate classification (germline): Benign. Review status: criteria provided, multiple submitters, no conflicts (2 of 4 stars). 7 submissions from 7 submitters: Benign (3). 4 of the submissions do not count toward it. Last evaluated 2025-02-16.

Conditions:
GATA4-related congenital heart disease with or without pancreatic hypoplasia or diabetes. Also called: Structural congenital heart disease, multiple types - GATA4. Identifiers: MedGen CN323671, MONDO:0100009.
Congenital heart disease (CHD). Identifiers: MedGen C0152021, MONDO:0005453. Disease mechanism: unknown.

Allele frequency attached by ClinVar (database versions not stated): 1000 Genomes Project 0.11422; 1000 Genomes Project 30x 0.11633; TOPMed 0.15198.
gnomAD v4.1: 23,879 of 152,210 alleles (16%); highest among the groups gnomAD compares: Non-Finnish European, 23%; 2,479 homozygotes.

Submissions (7):

Laboratory of Genetics, Children's Clinical University Hospital Latvia
Classification: Benign. Last evaluated: 2025-02-16. Review status: criteria provided, single submitter. Criteria: ACMG Guidelines, 2015. Collection method: clinical testing. Allele origin: germline. Affected: yes.

Department of Pathology and Laboratory Medicine, Sinai Health System
Classification: Benign for structural congenital heart disease, multiple types - GATA4. Last evaluated: 2023-04-24. Review status: criteria provided, single submitter. Criteria: ACMG Guidelines, 2015. Collection method: research. Allele origin: germline.

GeneDx
Classification: Benign. Last evaluated: 2018-09-04. Review status: criteria provided, single submitter. Criteria: GeneDx Variant Classification Process June 2021. Collection method: clinical testing. Allele origin: germline. Affected: yes.

Reproductive Health Research and Development, BGI Genomics
Classification: Benign for Congenital heart disease. Last evaluated: 2020-01-06. Review status: no assertion criteria provided. Collection method: curation. Allele origin: germline. Not counted in ClinVar's aggregate classification.
Comment: NG_008177.2(NM_002052.4):c.1146+177C>T in the gene GATA4 has an allele frequency of 0.223 in European (non-Finnish) subpopulation in the gnomAD database. 435 homozygous occurrences are observed in the gnomAD database. This evidence suggests the variant to be classified as benign. ACMG/AMP criteria applied: BA1; BS2.

Central Research Laboratory, Sri Devaraj Urs Academy of Higher Education and Research
Classification: Pathogenic for Congenital heart disease. Last evaluated: 2017-01-07. Review status: no assertion criteria provided. Collection method: clinical testing. Allele origin: unknown. Affected: yes. Observed: 23 variant alleles. Not counted in ClinVar's aggregate classification.
Comment: This variant, NG_008177.2:g.85342C>T, leads to the formation of SRp55 ISE binding motif and formation of ISS binding motif 2.

Genome Diagnostics Laboratory, Amsterdam University Medical Center
Classification: Benign. Review status: no assertion criteria provided. Collection method: clinical testing. Allele origin: germline. Affected: yes. Study: VKGL Data-share Consensus. Not counted in ClinVar's aggregate classification.

Joint Genome Diagnostic Labs from Nijmegen and Maastricht, Radboudumc and MUMC+
Classification: Benign. Review status: no assertion criteria provided. Collection method: clinical testing. Allele origin: germline. Affected: yes. Study: VKGL Data-share Consensus. Not counted in ClinVar's aggregate classification.

Literature cited by the submitters: PubMed 27426723 (cited by Central Research Laboratory, Sri Devaraj Urs Academy of Higher Education and Research).